The following is an entry in ClinVar:

ClinVar aggregate classification (germline): Uncertain significance (1 of 4 stars; one submission).

Conditions:
Familial hypobetalipoproteinemia 1. Also called: Hypobetalipoproteinemia, normotriglyceridemic; Acanthocytosis with hypobetalipoproteinemia; APOB-Related Familial Hypobetalipoproteinemia. Identifiers: MedGen C4551990, MONDO:0014252, OMIM 615558.
Hypercholesterolemia, autosomal dominant, type B (FHCL2). Also called: Familial Hypercholesterolemia Type B; APOLIPOPROTEIN B-100, FAMILIAL DEFECTIVE; APOLIPOPROTEIN B-100, FAMILIAL LIGAND-DEFECTIVE; HYPERCHOLESTEROLEMIA, FAMILIAL, DUE TO LIGAND-DEFECTIVE APOLIPOPROTEIN B; APOB-Related Familial Hypercholesterolemia, Autosomal Dominant; Hyperlipoproteinemia Type IIb. Identifiers: MedGen C1704417, MONDO:0007751, OMIM 144010.

gnomAD v4.1: 1 of 1,613,874 alleles (0.000062%); highest among the groups gnomAD compares: Non-Finnish European, 0.000085%; no homozygotes.

Submission:

Labcorp Genetics (formerly Invitae), Labcorp
Classification: Uncertain significance for Familial hypobetalipoproteinemia 1; Hypercholesterolemia, autosomal dominant, type B. Last evaluated: 2025-04-30. Review status: criteria provided, single submitter. Criteria: Invitae Variant Classification Sherloc (09022015). Collection method: clinical testing. Allele origin: germline.
Comment: This sequence change replaces threonine, which is neutral and polar, with isoleucine, which is neutral and non-polar, at codon 378 of the APOB protein (p.Thr378Ile). This variant is not present in population databases (gnomAD no frequency). This missense change has been observed in individual(s) with familial hypercholesterolemia (internal data). Invitae Evidence Modeling of protein sequence and biophysical properties (such as structural, functional, and spatial information, amino acid conservation, physicochemical variation, residue mobility, and thermodynamic stability) indicates that this missense variant is not expected to disrupt APOB protein function with a negative predictive value of 95%. In summary, the available evidence is currently insufficient to determine the role of this variant in disease. Therefore, it has been classified as a Variant of Uncertain Significance.

NM_000384.3(APOB):c.1133C>T (p.Thr378Ile)

Gene: APOB (apolipoprotein B; minus strand). Cytogenetic location: 2p24.1.
Variant type: single nucleotide variant.
Coding change: c.1133C>T on transcript NM_000384.3 (MANE Select); coding-DNA position 1133, C replaced by T.
Protein change: p.Thr378Ile; replaces threonine 378 with isoleucine.
Molecular consequence: missense variant.
Genome position (GRCh38, 1-based): chr2:21,032,573, G>A on the plus strand (C>T on the coding strand, the complement: APOB is on the minus strand). VCF-style: chr2-21032573-G-A. GRCh37 (hg19) VCF-style: chr2-21255445-G-A.
Other names: short protein forms T378I.
Identifiers: ClinVar variation 4793834 (VCV004793834.1), dbSNP rs1558574135.